The following is an entry in ClinVar:

ClinVar aggregate classification (germline): Likely benign. Review status: criteria provided, single submitter (1 of 4 stars). 2 submissions from 2 submitters: Likely benign (1). 1 of the submissions does not count toward it. Last evaluated 2023-10-13.

Conditions:
DIS3L2-related disorder. Also called: DIS3L2-related condition.
Perlman syndrome (PRLMNS). Identifiers: Orphanet 2849, MedGen C0796113, MONDO:0009965, OMIM 267000.

Allele frequency attached by ClinVar (database versions not stated): gnomAD 0.00001 and 0.00002; gnomAD exomes 0.00001 and 0.00002; TOPMed 0.00002; ExAC 0.00003; 1000 Genomes Project 0.00020; 1000 Genomes Project 30x 0.00031.
gnomAD v4.1: 14 of 1,608,736 alleles (0.00087%); highest among the groups gnomAD compares: Admixed American, 0.017%; no homozygotes.

Submissions (2):

Labcorp Genetics (formerly Invitae), Labcorp
Classification: Likely benign for Perlman syndrome. Last evaluated: 2023-10-13. Review status: criteria provided, single submitter. Criteria: Invitae Variant Classification Sherloc (09022015). Collection method: clinical testing. Allele origin: germline.

PreventionGenetics, part of Exact Sciences
Classification: Likely benign for DIS3L2-related condition. Last evaluated: 2020-10-12. Review status: no assertion criteria provided. Collection method: clinical testing. Allele origin: germline. Not counted in ClinVar's aggregate classification.
Comment: This variant is classified as likely benign based on ACMG/AMP sequence variant interpretation guidelines (Richards et al. 2015 PMID: 25741868, with internal and published modifications).

NM_152383.5(DIS3L2):c.2010+8G>A

Gene: DIS3L2 (DIS3 like 3'-5' exoribonuclease 2; plus strand). Cytogenetic location: 2q37.1.
Variant type: single nucleotide variant.
Coding change: c.2010+8G>A on transcript NM_152383.5 (MANE Select); 8 bases into the intron after coding-DNA position 2010, G replaced by A.
Molecular consequence: intron variant.
Genome position (GRCh38, 1-based): chr2:232,330,784, G>A. VCF-style: chr2-232330784-G-A. GRCh37 (hg19) VCF-style: chr2-233195494-G-A.
Other names: c.1582-12561G>A (NM_001257281.2).
Identifiers: ClinVar variation 463086 (VCV000463086.14), dbSNP rs202229172, ClinGen allele CA2164346.